The following is an entry in ClinVar:

NM_001099857.5(IKBKG):c.597G>A (p.Val199=)

Gene: IKBKG (inhibitor of nuclear factor kappa B kinase regulatory subunit gamma; plus strand). Cytogenetic location: Xq28.
Variant type: single nucleotide variant.
Coding change: c.597G>A on transcript NM_001099857.5 (MANE Select); coding-DNA position 597, G replaced by A.
Protein change: p.Val199=; no amino-acid change (valine 199 retained).
Molecular consequence: synonymous variant. On other transcripts: intron variant (3).
Genome position (GRCh38, 1-based): chrX:154,560,485, G>A. VCF-style: chrX-154560485-G-A. GRCh37 (hg19) VCF-style: chrX-153788700-G-A.
Other names: 597G-A; c.801G>A, p.Val267= (NM_001099856.6); c.597G>A, p.Val199= (NM_001321396.3, NM_001377312.1, NM_003639.4); c.594G>A, p.Val198= (NM_001321397.3, NM_001377313.1); c.519-1203G>A (NM_001145255.4); c.516-1203G>A (NM_001377314.1); c.400-2325G>A (NM_001377315.1).
Identifiers: ClinVar variation 1303538 (VCV001303538.5), dbSNP rs2148382665, ClinGen allele CA519285332.
Genomic context (GRCh38, chrX:154,560,485, plus strand): 5'-GCAGGCGCGGCAGCTGGAGAGTGAGCGCGAGGCGCTGCAGCAGCAGCACAGCGTGCAGGT[G>A]GACCAGCTGCGCATGCAGGGCCAGAGCGTGGAGGCCGCGCTCCGCATGGAGCGCCAGGCC-3'
Protein context (NP_001093327.1, residues 189-209): EALQQQHSVQ[Val199=]DQLRMQGQSV

ClinVar aggregate classification (germline): Uncertain significance. Review status: criteria provided, single submitter (1 of 4 stars). 2 submissions from 2 submitters: Uncertain significance (1). 1 of the submissions does not count toward it. Last evaluated 2021-03-17.

Conditions:
Autoinflammatory disease, X-linked. Also called: AUTOINFLAMMATORY DISEASE, SYSTEMIC, X-LINKED. Identifiers: Orphanet 699605, MedGen C5676885, MONDO:0800129, OMIM 301081.

Submissions (2):

GeneDx
Classification: Uncertain significance. Last evaluated: 2021-03-17. Review status: criteria provided, single submitter. Criteria: GeneDx Variant Classification Process June 2021. Collection method: clinical testing. Allele origin: germline. Affected: yes.
Comment: In silico analysis supports a deleterious effect on splicing; This variant is associated with the following publications: (PMID: 26230867)

OMIM
Classification: Pathogenic for AUTOINFLAMMATORY DISEASE, SYSTEMIC, X-LINKED. Last evaluated: 2024-07-18. Review status: no assertion criteria provided. Collection method: literature only. Allele origin: germline. Not counted in ClinVar's aggregate classification.

Literature cited by the submitters: PubMed 31874111 (cited by OMIM); PubMed 35289316 (cited by OMIM).